The following is an entry in ClinVar:

NM_170606.3(KMT2C):c.9026C>T (p.Pro3009Leu)

Gene: KMT2C (lysine methyltransferase 2C; minus strand). Cytogenetic location: 7q36.1.
Variant type: single nucleotide variant.
Coding change: c.9026C>T on transcript NM_170606.3 (MANE Select); coding-DNA position 9026, C replaced by T.
Protein change: p.Pro3009Leu; replaces proline 3009 with leucine.
Molecular consequence: missense variant.
Genome position (GRCh38, 1-based): chr7:152,176,427, G>A on the plus strand (C>T on the coding strand, the complement: KMT2C is on the minus strand). VCF-style: chr7-152176427-G-A. GRCh37 (hg19) VCF-style: chr7-151873512-G-A.
Other names: short protein forms P3009L.
Identifiers: ClinVar variation 4755961 (VCV004755961.1).

ClinVar aggregate classification (germline): Uncertain significance (1 of 4 stars; one submission).

Submission:

GeneDx
Classification: Uncertain significance. Last evaluated: 2025-08-06. Review status: criteria provided, single submitter. Criteria: GeneDx Variant Classification Process June 2021. Collection method: clinical testing. Allele origin: germline. Affected: yes.
Comment: Not observed at significant frequency in large population cohorts (gnomAD); In silico analysis supports that this missense variant has a deleterious effect on protein structure/function; Has not been previously published as pathogenic or benign to our knowledge